The following is an entry in ClinVar:

NM_000168.6(GLI3):c.1873C>T (p.Arg625Trp)

Gene: GLI3 (GLI family zinc finger 3; minus strand). Cytogenetic location: 7p14.1.
Variant type: single nucleotide variant.
Coding change: c.1873C>T on transcript NM_000168.6 (MANE Select); coding-DNA position 1873, C replaced by T.
Protein change: p.Arg625Trp; replaces arginine 625 with tryptophan.
Molecular consequence: missense variant.
Genome position (GRCh38, 1-based): chr7:41,972,567, G>A on the plus strand (C>T on the coding strand, the complement: GLI3 is on the minus strand). VCF-style: chr7-41972567-G-A. GRCh37 (hg19) VCF-style: chr7-42012166-G-A.
Other names: c.1873C>T (NM_000168.5); short protein forms R625W.
Identifiers: ClinVar variation 13824 (VCV000013824.4), dbSNP rs121917712, ClinGen allele CA256982.

ClinVar aggregate classification (germline): Pathogenic/Likely pathogenic. Review status: criteria provided, multiple submitters, no conflicts (2 of 4 stars). 4 submissions from 4 submitters: Pathogenic (2); Likely pathogenic (1). 1 of the submissions does not count toward it. Last evaluated 2026-05-04.

Conditions:
Inborn genetic diseases. Identifiers: MedGen C0950123, MeSH D030342.
Pallister-Hall syndrome (PHS). Also called: HYPOTHALAMIC HAMARTOBLASTOMA, HYPOPITUITARISM, IMPERFORATE ANUS, AND POSTAXIAL POLYDACTYLY; GLI3-Related Pallister-Hall Syndrome. Identifiers: Orphanet 672, MedGen C0265220, MONDO:0007804, OMIM 146510.
Greig cephalopolysyndactyly syndrome (GCPS). Also called: POLYSYNDACTYLY WITH PECULIAR SKULL SHAPE; Greig syndrome; GLI3-Related Greig Cephalopolysyndactyly Syndrome. Identifiers: Orphanet 380, MedGen C0265306, MONDO:0008287, OMIM 175700.

Submissions (4):

Ambry Genetics
Classification: Pathogenic for Inborn genetic diseases. Last evaluated: 2026-05-04. Review status: criteria provided, single submitter. Criteria: Ambry Variant Classification Scheme 2023. Collection method: clinical testing. Allele origin: germline.
Comment: The c.1873C>T (p.R625W) alteration is located in exon 13 (coding exon 12) of the GLI3 gene. This alteration results from a C to T substitution at nucleotide position 1873, causing the arginine (R) at amino acid position 625 to be replaced by a tryptophan (W). for Greig cephalopolysyndactyly syndrome; however, its clinical significance for Pallister-Hall syndrome is uncertain. This variant was not reported in population-based cohorts in the Genome Aggregation Database (gnomAD). This variant was reported in individual(s) with features consistent with Greig cephalopolysyndactyly syndrome; in at least one individual, it was determined to be de novo (Debeer, 2003; Johnston, 2005). Other variant(s) at the same codon, c.1874G>A (p.R625Q) have been identified in individual(s) with features consistent with Greig cephalopolysyndactyly syndrome (D&eacute;murger, 2015). This amino acid position is highly conserved in available vertebrate species. This missense variant is located in a region that has a low rate of benign missense variation (Lek, 2016; Firth, 2009). This alteration is predicted to be deleterious by in silico analysis. Based on the available evidence, this alteration is classified as pathogenic.

Labcorp Genetics (formerly Invitae), Labcorp
Classification: Pathogenic for Pallister-Hall syndrome; Greig cephalopolysyndactyly syndrome. Last evaluated: 2025-07-27. Review status: criteria provided, single submitter. Criteria: Invitae Variant Classification Sherloc (09022015). Collection method: clinical testing. Allele origin: germline.
Comment: This sequence change replaces arginine, which is basic and polar, with tryptophan, which is neutral and slightly polar, at codon 625 of the GLI3 protein (p.Arg625Trp). This variant is not present in population databases (gnomAD no frequency). This missense change has been observed in individual(s) with Greig cephalopolysyndactyly syndrome (PMID: 12794692, 15739154). In at least one individual the variant was observed to be de novo. It has also been observed to segregate with disease in related individuals. ClinVar contains an entry for this variant (Variation ID: 13824). Invitae Evidence Modeling of protein sequence and biophysical properties (such as structural, functional, and spatial information, amino acid conservation, physicochemical variation, residue mobility, and thermodynamic stability) has been performed for this missense variant. However, the output from this modeling did not meet the statistical confidence thresholds required to predict the impact of this variant on GLI3 protein function. This variant disrupts the p.Arg625 amino acid residue in GLI3. Other variant(s) that disrupt this residue have been determined to be pathogenic (PMID: 15739154, 24736735). This suggests that this residue is clinically significant, and that variants that disrupt this residue are likely to be disease-causing. For these reasons, this variant has been classified as Pathogenic.

3billion
Classification: Likely pathogenic for Greig cephalopolysyndactyly syndrome. Last evaluated: 2022-09-01. Review status: criteria provided, single submitter. Criteria: ACMG Guidelines, 2015. Collection method: clinical testing. Allele origin: germline. Affected: yes. Observed: 1 homozygote.
Comment: The variant is not observed in the gnomAD v2.1.1 dataset. While this variant results in missense change, protein truncation variants are a common disease-causing mechanism. In silico tool predictions suggest damaging effect of the variant on gene or gene product (REVEL: 0.62; 3Cnet: 0.62). Same nucleotide change resulting in same amino acid change has been previously reported to be associated with GLI3 -related disorder (ClinVar ID: VCV000013824 / PMID: 15739154). However, the evidence of pathogenicity is insufficient at this time. A different missense change at the same codon (p.Arg625Gln) has been reported as pathogenic/likely pathogenic with strong evidence (ClinVar ID: VCV000528805). Therefore, this variant is classified as Likely pathogenic according to the recommendation of ACMG/AMP guideline.

OMIM
Classification: Pathogenic for GREIG CEPHALOPOLYSYNDACTYLY SYNDROME. Last evaluated: 2003-07-01. Review status: no assertion criteria provided. Collection method: literature only. Allele origin: germline. Not counted in ClinVar's aggregate classification.

Literature cited by the submitters: PubMed 12794692 (cited by 3 submitters); PubMed 15739154 (cited by 3 submitters); PubMed 24736735 (cited by Ambry Genetics and Labcorp Genetics (formerly Invitae), Labcorp).